The following is an entry in ClinVar:

ClinVar aggregate classification (germline): Likely benign (1 of 4 stars; one submission).

Conditions:
Leukocyte adhesion deficiency type II. Also called: CONGENITAL DISORDER OF GLYCOSYLATION, TYPE IIc; CDG IIc; Congenital disorder of glycosylation type 2C; CDG 2C; Leukocyte adhesion deficiency type 2; Rambam Hasharon syndrome. Identifiers: Orphanet 2968, Orphanet 99843, MedGen C0398739, MONDO:0009953, OMIM 266265.

Allele frequency attached by ClinVar (database versions not stated): TOPMed 0.00004; 1000 Genomes Project 30x 0.00406; 1000 Genomes Project 0.00419.

Submission:

Illumina Laboratory Services, Illumina
Classification: Likely benign for Leukocyte adhesion deficiency type II. Last evaluated: 2018-01-13. Review status: criteria provided, single submitter. Criteria: ICSL Variant Classification Criteria 13 December 2019. Collection method: clinical testing. Allele origin: germline.
Comment: This variant was observed in the ICSL laboratory as part of a predisposition screen in an ostensibly healthy population. It had not been previously curated by ICSL or reported in the Human Gene Mutation Database (HGMD: prior to June 1st, 2018), and was therefore a candidate for classification through an automated scoring system. Utilizing variant allele frequency, disease prevalence and penetrance estimates, and inheritance mode, an automated score was calculated to assess if this variant is too frequent to cause the disease. Based on the score and internal cut-off values, a variant classified as likely benign is not then subjected to further curation. The score for this variant resulted in a classification of likely benign for this disease.

NM_018389.5(SLC35C1):c.*1636G>T

Gene: SLC35C1 (solute carrier family 35 member C1; plus strand). Cytogenetic location: 11p11.2.
Variant type: single nucleotide variant.
Coding change: c.*1636G>T on transcript NM_018389.5 (MANE Select); 1636 bases downstream of the stop codon, G replaced by T.
Molecular consequence: 3 prime UTR variant.
Genome position (GRCh38, 1-based): chr11:45,812,971, G>T. VCF-style: chr11-45812971-G-T. GRCh37 (hg19) VCF-style: chr11-45834522-G-T.
Other names: c.*1636G>T (NM_001145265.2, NM_001145266.2).
Identifiers: ClinVar variation 304771 (VCV000304771.5), dbSNP rs79173599, ClinGen allele CA10630931.